The following is an entry in ClinVar:

NM_002439.5(MSH3):c.1959A>C (p.Gln653His)

Gene: MSH3 (mutS homolog 3; plus strand). Cytogenetic location: 5q14.1.
Variant type: single nucleotide variant.
Coding change: c.1959A>C on transcript NM_002439.5 (MANE Select); coding-DNA position 1959, A replaced by C.
Protein change: p.Gln653His; replaces glutamine 653 with histidine.
Molecular consequence: missense variant.
Genome position (GRCh38, 1-based): chr5:80,767,995, A>C. VCF-style: chr5-80767995-A-C. GRCh37 (hg19) VCF-style: chr5-80063814-A-C.
Other names: short protein forms Q653H.
Identifiers: ClinVar variation 2779232 (VCV002779232.3), dbSNP rs2546773594, ClinGen allele CA360277569.

ClinVar aggregate classification (germline): Uncertain significance (1 of 4 stars; one submission).

Submission:

Labcorp Genetics (formerly Invitae), Labcorp
Classification: Uncertain significance. Last evaluated: 2023-01-14. Review status: criteria provided, single submitter. Criteria: Invitae Variant Classification Sherloc (09022015). Collection method: clinical testing. Allele origin: germline.
Comment: In summary, the available evidence is currently insufficient to determine the role of this variant in disease. Therefore, it has been classified as a Variant of Uncertain Significance. This sequence change replaces glutamine, which is neutral and polar, with histidine, which is basic and polar, at codon 653 of the MSH3 protein (p.Gln653His). This variant is not present in population databases (gnomAD no frequency). This variant has not been reported in the literature in individuals affected with MSH3-related conditions. Algorithms developed to predict the effect of missense changes on protein structure and function are either unavailable or do not agree on the potential impact of this missense change (SIFT: "Deleterious"; PolyPhen-2: "Benign"; Align-GVGD: "Class C0").